The following is an entry in ClinVar:

ClinVar aggregate classification (germline): Uncertain significance. Review status: criteria provided, multiple submitters, no conflicts (2 of 4 stars). 2 submissions from 2 submitters: Uncertain significance (2). Last evaluated 2026-03-01.

Conditions:
ELP2-related disorder. Also called: ELP2-Related Disorders; ELP2-related condition.

Allele frequency attached by ClinVar (database versions not stated): gnomAD exomes below 0.00001; gnomAD 0.00001; TOPMed 0.00002.
gnomAD v4.1: 9 of 1,599,070 alleles (0.00056%); highest among the groups gnomAD compares: Admixed American, 0.01%; no homozygotes.

Submissions (2):

CeGaT Center for Human Genetics Tuebingen
Classification: Uncertain significance. Last evaluated: 2026-03-01. Review status: criteria provided, single submitter. Criteria: CeGaT Center For Human Genetics Tuebingen Variant Classification Criteria Version 2. Collection method: clinical testing. Allele origin: germline. Affected: yes. Observed: 1 variant allele.
Comment: ELP2: PM2

PreventionGenetics, part of Exact Sciences
Classification: Uncertain significance for ELP2-related condition. Last evaluated: 2022-10-17. Review status: criteria provided, single submitter. Criteria: ACMG Guidelines, 2015. Collection method: clinical testing. Allele origin: germline.
Comment: The ELP2 c.2167T>C variant is predicted to result in the amino acid substitution p.Phe723Leu. To our knowledge, this variant has not been reported in the literature. This variant is reported in 0.0030% of alleles in individuals of Latino descent in gnomAD. At this time, the clinical significance of this variant is uncertain due to the absence of conclusive functional and genetic evidence.

NM_018255.4(ELP2):c.1972T>C (p.Phe658Leu)

Gene: ELP2 (elongator acetyltransferase complex subunit 2; plus strand). Cytogenetic location: 18q12.2.
Variant type: single nucleotide variant.
Coding change: c.1972T>C on transcript NM_018255.4 (MANE Select); coding-DNA position 1972, T replaced by C.
Protein change: p.Phe658Leu; replaces phenylalanine 658 with leucine.
Molecular consequence: missense variant. On other transcripts: non-coding transcript variant (1).
Genome position (GRCh38, 1-based): chr18:36,167,118, T>C. VCF-style: chr18-36167118-T-C. GRCh37 (hg19) VCF-style: chr18-33747081-T-C.
Other names: c.2167T>C, p.Phe723Leu (NM_001242875.3); c.1957T>C, p.Phe653Leu (NM_001242876.3); c.1894T>C, p.Phe632Leu (NM_001242877.3); c.1762T>C, p.Phe588Leu (NM_001242878.3, NM_001242879.3); c.1840T>C, p.Phe614Leu (NM_001324465.2); c.2089T>C, p.Phe697Leu (NM_001324466.2); c.1822T>C, p.Phe608Leu (NM_001324467.2); c.1525T>C, p.Phe509Leu (NM_001324468.2); short protein forms F509L, F588L, F608L, F614L, F632L, F653L, F658L, F697L.
Identifiers: ClinVar variation 2637310 (VCV002637310.5), dbSNP rs746187279, ClinGen allele CA298692282.